The following is an entry in ClinVar:

ClinVar aggregate classification (germline): Pathogenic (0 of 4 stars; one submission).

Conditions:
Alkaptonuria (AKU). Also called: Alkaptonuric ochronosis; Homogentisic acidura; Alcaptonuria; HOMOGENTISIC ACID OXIDASE DEFICIENCY. Identifiers: Orphanet 56, MedGen C0002066, MONDO:0008753, OMIM 203500.

Submission:

Department Of Human Genetics, Institute Of Clinical And Translational Research, Biomedical Research Center, Slovak Academy Of Sciences
Classification: Pathogenic for Alkaptonuria. Review status: no assertion criteria provided. Collection method: research. Allele origin: germline. Inheritance: Autosomal recessive inheritance. Affected: yes. Observed: 1 variant allele.
Comment: The variant was originally described in AKU patients in PMID: 25681086. It has been submitted to the HGD gene mutation database (DB-ID: AKU_00AKU_00205).

Literature cited by the submitters: PubMed 25681086.

NM_000187.4(HGD):c.457G>A (p.Asp153Asn)

Gene: HGD (homogentisate 1,2-dioxygenase; minus strand). Cytogenetic location: 3q13.33.
Variant type: single nucleotide variant.
Coding change: c.457G>A on transcript NM_000187.4 (MANE Select); coding-DNA position 457, G replaced by A.
Protein change: p.Asp153Asn; replaces aspartic acid 153 with asparagine.
Molecular consequence: missense variant.
Genome position (GRCh38, 1-based): chr3:120,647,889, C>T on the plus strand (G>A on the coding strand, the complement: HGD is on the minus strand). VCF-style: chr3-120647889-C-T. GRCh37 (hg19) VCF-style: chr3-120366736-C-T.
Other names: short protein forms D153N.
Identifiers: ClinVar variation 2626841 (VCV002626841.1), dbSNP rs2472705466, ClinGen allele CA354077391.
Genomic context (GRCh38, chr3:120,647,889, plus strand): 5'-GTTAGGGGTCAATTAACAGTGAGGGGGTCTGAAGTCTTCAGAACTCACCAATCAAGAAGT[C>T]CCCATCTGAATTGTAAAAGCATCTGAAACATATAGAGTAATTCTTGTGATTTTCAGTTTT-3'
Protein context (NP_000178.2, residues 143-163): ENRCFYNSDG[Asp153Asn]FLIVPQKGNL